The following is an entry in ClinVar:

ClinVar aggregate classification (germline): Benign. Review status: reviewed by expert panel (3 of 4 stars). 12 submissions from 12 submitters: Benign (1). 11 of the submissions do not count toward it. Last evaluated 2015-08-10.

Conditions:
BRCA2-related disorder. Also called: BRCA2-related condition; BRCA2-related disorders. Identifiers: MedGen CN239275.
BRCA2-related cancer predisposition. Identifiers: MedGen CN377758, MONDO:0700269.
Hereditary cancer-predisposing syndrome. Also called: Tumor predisposition; Neoplastic Syndromes, Hereditary; Hereditary neoplastic syndrome; Hereditary Cancer Syndrome. Identifiers: Orphanet 140162, MedGen C0027672, MeSH D009386, MONDO:0015356.
Hereditary breast ovarian cancer syndrome. Also called: Hereditary breast and ovarian cancer; Hereditary breast and ovarian cancer syndrome (HBOC); Hereditary breast and/or ovarian cancer syndrome; Breast and ovarian cancer; Hereditary breast and ovarian cancer syndrome; BRCA1- and BRCA2-Associated Hereditary Breast and Ovarian Cancer. Identifiers: Orphanet 145, MedGen C0677776, MeSH D061325, MONDO:0003582. Disease mechanism: loss of function.
Breast-ovarian cancer, familial, susceptibility to, 2 (BROVCA2). Also called: BRCA2 Hereditary Breast and Ovarian Cancer. Identifiers: Orphanet 145, MedGen C2675520, MONDO:0012933, OMIM 612555. Disease mechanism: loss of function.

Allele frequency attached by ClinVar (database versions not stated): ESP Exome Variant Server 0.00008; gnomAD exomes 0.00001 and 0.00003; gnomAD 0.00002 and 0.00003; TOPMed 0.00002; ExAC 0.00003.
gnomAD v4.1: 19 of 1,588,900 alleles (0.0012%); highest among the groups gnomAD compares: Non-Finnish European, 0.0015%; no homozygotes.

Submissions (12):

Evidence-based Network for the Interpretation of Germline Mutant Alleles (ENIGMA)
Classification: Benign for Breast-ovarian cancer, familial 2. Last evaluated: 2015-08-10. Review status: reviewed by expert panel. Criteria: ENIGMA BRCA1/2 Classification Criteria (2015). Collection method: curation. Allele origin: germline.
Comment: IARC class based on posterior probability from multifactorial likelihood analysis, thresholds for class as per Plon et al. 2008 (PMID: 18951446). Class 1 based on posterior probability = 0.000083

Labcorp Genetics (formerly Invitae), Labcorp
Classification: Likely benign for Hereditary breast ovarian cancer syndrome. Last evaluated: 2026-01-25. Review status: criteria provided, single submitter. Criteria: Invitae Variant Classification Sherloc (09022015). Collection method: clinical testing. Allele origin: germline. Not counted in ClinVar's aggregate classification.

All of Us Research Program, National Institutes of Health
Classification: Likely benign for BRCA2-related cancer predisposition. Last evaluated: 2024-05-14. Review status: criteria provided, single submitter. Criteria: ACMG Guidelines, 2015. Collection method: clinical testing. Allele origin: germline. Inheritance: Autosomal dominant inheritance. Observed: 9 variant alleles, 9 heterozygotes. Not counted in ClinVar's aggregate classification.
Comment: This study involves interpretation of variants in research participants for the purpose of population health screening. Participant phenotype was not available at the time of variant classification. Additional details can be found in publication PMID: 35346344, PMCID: PMC8962531

Quest Diagnostics Nichols Institute San Juan Capistrano
Classification: Likely benign. Last evaluated: 2023-08-31. Review status: criteria provided, single submitter. Criteria: Quest Diagnostics criteria. Collection method: clinical testing. Allele origin: unknown. Not counted in ClinVar's aggregate classification.

Women's Health and Genetics/Laboratory Corporation of America, LabCorp
Classification: Benign. Last evaluated: 2021-04-01. Review status: criteria provided, single submitter. Criteria: LabCorp Variant Classification Summary - May 2015. Collection method: clinical testing. Allele origin: germline. Not counted in ClinVar's aggregate classification.
Comment: Variant summary: BRCA2 c.3304A>T (p.Asn1102Tyr) results in a non-conservative amino acid change in the encoded protein sequence. Three of five in-silico tools predict a damaging effect of the variant on protein function. The variant allele was found at a frequency of 2.6e-05 in 230504 control chromosomes. The available data on variant occurrences in the general population are insufficient to allow any conclusion about variant significance. To our knowledge, no occurrence of c.3304A>T in individuals affected with Hereditary Breast And Ovarian Cancer Syndrome and no experimental evidence demonstrating its impact on protein function have been reported. At-least two co-occurrences with other pathogenic variant(s) have been observed at our laboratory (BRCA2 c.1929delG, p.Arg645fsX15; PALB2 c.1317delG, p.Phe440fs), providing supporting evidence for a benign role. Multifactorial probability models also support a neutral outcome (example, Lindor_2012, Easton_2007). Six clinical diagnostic laboratories and one expert panel (ENIGMA) have submitted clinical-significance assessments for this variant to ClinVar after 2014 without evidence for independent evaluation. All submitters classified the variant as benign (n=2 to include the expert panel)/likely benign (n=5). Based on the evidence outlined above, the variant was classified as benign.

GeneDx
Classification: Likely benign. Last evaluated: 2020-06-10. Review status: criteria provided, single submitter. Criteria: GeneDx Variant Classification Process June 2021. Collection method: clinical testing. Allele origin: germline. Affected: yes. Not counted in ClinVar's aggregate classification.
Comment: This variant is associated with the following publications: (PMID: 24323938, 18724707, 17924331, 21990134, 24817641)

Color Diagnostics, LLC DBA Color Health
Classification: Likely benign for Hereditary cancer-predisposing syndrome. Last evaluated: 2017-04-07. Review status: criteria provided, single submitter. Criteria: ACMG Guidelines, 2015. Collection method: clinical testing. Allele origin: germline. Not counted in ClinVar's aggregate classification.

Ambry Genetics
Classification: Benign for Hereditary cancer-predisposing syndrome. Last evaluated: 2014-11-19. Review status: criteria provided, single submitter. Criteria: Ambry Variant Classification Scheme 2023. Collection method: clinical testing. Allele origin: germline. Not counted in ClinVar's aggregate classification.

PreventionGenetics, part of Exact Sciences
Classification: Likely benign for BRCA2-related condition. Last evaluated: 2023-07-28. Review status: no assertion criteria provided. Collection method: clinical testing. Allele origin: germline. Not counted in ClinVar's aggregate classification.
Comment: This variant is classified as likely benign based on ACMG/AMP sequence variant interpretation guidelines (Richards et al. 2015 PMID: 25741868, with internal and published modifications).

Counsyl
Classification: Benign for Breast-ovarian cancer, familial, susceptibility to, 2. Last evaluated: 2016-07-26. Review status: no assertion criteria provided. Collection method: clinical testing. Allele origin: unknown. Not counted in ClinVar's aggregate classification.

Sharing Clinical Reports Project (SCRP)
Classification: Benign for Breast-ovarian cancer, familial 2. Last evaluated: 2011-03-10. Review status: no assertion criteria provided. Collection method: clinical testing. Allele origin: germline. Not counted in ClinVar's aggregate classification.

Breast Cancer Information Core (BIC) (BRCA2)
Classification: Uncertain significance for Breast-ovarian cancer, familial 2. Last evaluated: 2002-05-29. Review status: no assertion criteria provided. Collection method: clinical testing. Allele origin: germline. Affected: yes. Observed: 5 variant alleles. Not counted in ClinVar's aggregate classification.

Literature cited by the submitters: PubMed 21990134 (cited by 4 submitters); PubMed 24323938 (cited by 3 submitters); PubMed 31854063 (cited by Quest Diagnostics Nichols Institute San Juan Capistrano); PubMed 18724707 (cited by 3 submitters); PubMed 18951446 (cited by Quest Diagnostics Nichols Institute San Juan Capistrano); PubMed 17924331 (cited by 3 submitters); PubMed 18951461 (cited by Quest Diagnostics Nichols Institute San Juan Capistrano); PubMed 33471991 (cited by Quest Diagnostics Nichols Institute San Juan Capistrano); PubMed 24817641 (cited by Counsyl).

NM_000059.4(BRCA2):c.3304A>T (p.Asn1102Tyr)

Gene: BRCA2 (BRCA2 DNA repair associated; plus strand). Cytogenetic location: 13q13.1.
Variant type: single nucleotide variant.
Coding change: c.3304A>T on transcript NM_000059.4 (MANE Select); coding-DNA position 3304, A replaced by T.
Protein change: p.Asn1102Tyr; replaces asparagine 1102 with tyrosine.
Molecular consequence: missense variant.
Genome position (GRCh38, 1-based): chr13:32,337,659, A>T. VCF-style: chr13-32337659-A-T. GRCh37 (hg19) VCF-style: chr13-32911796-A-T.
Other names: p.N1102Y:AAT>TAT; 3532A>T; short protein forms N1102Y.
Identifiers: ClinVar variation 37833 (VCV000037833.29), dbSNP rs28897719, ClinGen allele CA017757.